The following is an entry in ClinVar:

NM_022552.5(DNMT3A):c.1346C>T (p.Ala449Val)

Gene: DNMT3A (DNA methyltransferase 3 alpha; minus strand). Cytogenetic location: 2p23.3.
Variant type: single nucleotide variant.
Coding change: c.1346C>T on transcript NM_022552.5 (MANE Select); coding-DNA position 1346, C replaced by T.
Protein change: p.Ala449Val; replaces alanine 449 with valine.
Molecular consequence: missense variant. On other transcripts: non-coding transcript variant (1).
Genome position (GRCh38, 1-based): chr2:25,246,243, G>A on the plus strand (C>T on the coding strand, the complement: DNMT3A is on the minus strand). VCF-style: chr2-25246243-G-A. GRCh37 (hg19) VCF-style: chr2-25469112-G-A.
Other names: c.890C>T, p.Ala297Val (NM_001320893.1); c.677C>T, p.Ala226Val (NM_001375819.1); c.779C>T, p.Ala260Val (NM_153759.3); c.1346C>T, p.Ala449Val (NM_175629.2); short protein forms A226V, A297V, A449V, A260V.
Identifiers: ClinVar variation 4243589 (VCV004243589.1).

ClinVar aggregate classification (germline): Uncertain significance (1 of 4 stars; one submission).

Conditions:
Inborn genetic diseases. Identifiers: MedGen C0950123, MeSH D030342.

gnomAD v4.1: 1 of 1,614,156 alleles (0.000062%); no homozygotes.

Submission:

Ambry Genetics
Classification: Uncertain significance for Inborn genetic diseases. Last evaluated: 2025-06-28. Review status: criteria provided, single submitter. Criteria: Ambry Variant Classification Scheme 2023. Collection method: clinical testing. Allele origin: germline.
Comment: The p.A449V variant (also known as c.1346C>T), located in coding exon 10 of the DNMT3A gene, results from a C to T substitution at nucleotide position 1346. The alanine at codon 449 is replaced by valine, an amino acid with similar properties. This amino acid position is conserved. In addition, the in silico prediction for this alteration is inconclusive. Based on the available evidence, the clinical significance of this variant remains unclear.